The following is an entry in ClinVar:

ClinVar aggregate classification (germline): Pathogenic (1 of 4 stars; one submission).

Conditions:
Congenital lactic acidosis, Saguenay-Lac-Saint-Jean type (MC4DN5). Also called: CYTOCHROME c OXIDASE DEFICIENCY, FRENCH CANADIAN TYPE; COX DEFICIENCY, FRENCH CANADIAN TYPE; MITOCHONDRIAL COMPLEX IV DEFICIENCY, NUCLEAR TYPE 5. Identifiers: Orphanet 70472, MedGen C1857355, MONDO:0009069, OMIM 220111.

Submission:

Myriad Genetics, Inc.
Classification: Pathogenic for Congenital lactic acidosis, Saguenay-Lac-Saint-Jean type. Last evaluated: 2024-03-11. Review status: criteria provided, single submitter. Criteria: Myriad Autosomal Dominant, Autosomal Recessive and X-Linked Classification Criteria (2023). Collection method: clinical testing. Allele origin: unknown.
Comment: NM_133259.3(LRPPRC):c.441_442delTA(H147Qfs*14) is expected to be pathogenic in the context of Leigh syndrome, French-Canadian type. This variant is predicted to lead to an abnormal or absent protein product due to the creation of a premature termination codon in LRPPRC, a gene where loss-of-function variants are known to be pathogenic. Please note: this variant was assessed in the context of healthy population screening.

NM_133259.4(LRPPRC):c.441_442del (p.His147fs)

Gene: LRPPRC (leucine rich pentatricopeptide repeat containing; minus strand). Cytogenetic location: 2p21.
Variant type: Deletion.
Coding change: c.441_442del on transcript NM_133259.4 (MANE Select); coding-DNA positions 441 to 442, 2 bases deleted (TA; older notation c.441_442delTA).
Protein change: p.His147fs; shifts the reading frame from histidine 147.
Molecular consequence: frameshift variant.
Genome position (GRCh38, 1-based): chr2:43,979,853-43,979,854, TA deleted on the plus strand (TA on the coding strand, the reverse complement: LRPPRC is on the minus strand); deleting any 2 consecutive bases within chr2:43,979,853-43,979,855 gives the same sequence; the c. name uses the placement nearest the transcript's 3' end. VCF-style (leftmost placement, unchanged base first): chr2-43979852-CTA-C. GRCh37 (hg19) VCF-style: chr2-44206991-CTA-C.
Other names: short protein forms H147fs.
Identifiers: ClinVar variation 5012814 (VCV005012814.1).
Genomic context (GRCh38, chr2:43,979,852, plus strand): 5'-CTTTTATACACATCATATATTTAAACAATCATACCTAATTTCTGAAGTGTGTCCCATATC[CTA>C]TGAGCAAATTCTGTTCTCTCTTCAAGCTTTAGTTCAGGCAAGAGAGAACCACAACTACGT-3'